The following is an entry in ClinVar:

NM_206933.4(USH2A):c.13040_13062delinsTCAGAAGTCA (p.Thr4347fs)

Gene: USH2A (usherin; minus strand). Cytogenetic location: 1q41.
Variant type: Indel.
Coding change: c.13040_13062delinsTCAGAAGTCA on transcript NM_206933.4 (MANE Select); coding-DNA positions 13040 to 13062, CCAGCATCACAACTCTGGAGGCT replaced by TCAGAAGTCA.
Protein change: p.Thr4347fs; shifts the reading frame from threonine 4347.
Molecular consequence: frameshift variant.
Genome position (GRCh38, 1-based): chr1:215,674,849-215,674,871, AGCCTCCAGAGTTGTGATGCTGG replaced by TGACTTCTGA on the plus strand (CCAGCATCACAACTCTGGAGGCT replaced by TCAGAAGTCA on the coding strand, the reverse complement: USH2A is on the minus strand). GRCh37 (hg19): chr1:215,848,191-215,848,213.
Other names: c.13040_13062delCCAGCATCACAACTCTGGAGGCTinsTCAGAAGTCA (NM_206933.2); short protein forms T4347fs.
Identifiers: ClinVar variation 969641 (VCV000969641.13), dbSNP rs1657950450, ClinGen allele CA1139656548.

ClinVar aggregate classification (germline): Pathogenic. Review status: criteria provided, multiple submitters, no conflicts (2 of 4 stars). 5 submissions from 5 submitters: Pathogenic (5). Last evaluated 2025-10-06.

Conditions:
Usher syndrome type 2A. Also called: RETINAL DISEASE IN USHER SYNDROME TYPE IIA, MODIFIER OF; USHER SYNDROME, TYPE IIA. Identifiers: Orphanet 231178, Orphanet 886, MedGen C1848634, MONDO:0010169, OMIM 276901.
Retinitis pigmentosa 39 (RP39). Identifiers: Orphanet 791, MedGen C3151138, MONDO:0013436, OMIM 613809.

Submissions (5):

GeneDx
Classification: Pathogenic. Last evaluated: 2025-10-06. Review status: criteria provided, single submitter. Criteria: GeneDx Variant Classification Process June 2021. Collection method: clinical testing. Allele origin: germline. Affected: yes.
Comment: Frameshift variant predicted to result in protein truncation or nonsense mediated decay in a gene for which loss-of-function is a known mechanism of disease; Not observed at significant frequency in large population cohorts (gnomAD); This variant is associated with the following publications: (PMID: 29625443)

Labcorp Genetics (formerly Invitae), Labcorp
Classification: Pathogenic. Last evaluated: 2025-08-09. Review status: criteria provided, single submitter. Criteria: Invitae Variant Classification Sherloc (09022015). Collection method: clinical testing. Allele origin: germline.
Comment: This sequence change creates a premature translational stop signal (p.Thr4347Ilefs*22) in the USH2A gene. It is expected to result in an absent or disrupted protein product. Loss-of-function variants in USH2A are known to be pathogenic (PMID: 10729113, 10909849, 20507924, 25649381). Information on the frequency of this variant in the gnomAD database is not available, as this variant may be reported differently in the database. This premature translational stop signal has been observed in individual(s) with clinical features of Usher syndrome (PMID: 29625443). For these reasons, this variant has been classified as Pathogenic.

Baylor Genetics
Classification: Pathogenic for Retinitis pigmentosa 39. Last evaluated: 2024-03-22. Review status: criteria provided, single submitter. Criteria: ACMG Guidelines, 2015. Collection method: clinical testing. Allele origin: unknown.

Genome-Nilou Lab
Classification: Pathogenic for Retinitis pigmentosa 39. Last evaluated: 2023-11-04. Review status: criteria provided, single submitter. Criteria: ACMG Guidelines, 2015. Collection method: clinical testing. Allele origin: germline. Affected: no.

Juno Genomics, Hangzhou Juno Genomics, Inc
Classification: Pathogenic for Retinitis pigmentosa 39; Usher syndrome type 2A. Review status: criteria provided, single submitter. Criteria: ACMG Guidelines, 2015. Collection method: clinical testing. Allele origin: germline. Affected: yes.
Comment: Absent from controls (or at extremely low frequency if recessive) in Genome Aggregation Database, Exome Sequencing Project, 1000 Genomes Project, or Exome Aggregation Consortium.;Null variant in a gene where loss of function (LOF) is a known mechanism of disease.;For recessive disorders, detected in trans with a pathogenic variant.

Literature cited by the submitters: PubMed 10729113 (cited by Labcorp Genetics (formerly Invitae), Labcorp); PubMed 10909849 (cited by Labcorp Genetics (formerly Invitae), Labcorp); PubMed 20507924 (cited by Labcorp Genetics (formerly Invitae), Labcorp); PubMed 25649381 (cited by Labcorp Genetics (formerly Invitae), Labcorp); PubMed 29625443 (cited by Labcorp Genetics (formerly Invitae), Labcorp).